The following is an entry in ClinVar:

ClinVar aggregate classification (germline): Likely benign (0 of 4 stars; one submission).

Conditions:
COL25A1-related disorder. Also called: COL25A1-related condition.

Allele frequency attached by ClinVar (database versions not stated): TOPMed 0.00002; gnomAD exomes 0.00035; 1000 Genomes Project 0.00240; 1000 Genomes Project 30x 0.00250.
gnomAD v4.1: 530 of 1,588,232 alleles (0.033%); highest among the groups gnomAD compares: South Asian, 0.57%; 9 homozygotes.

Submission:

PreventionGenetics, part of Exact Sciences
Classification: Likely benign for COL25A1-related condition. Last evaluated: 2019-07-15. Review status: no assertion criteria provided. Collection method: clinical testing. Allele origin: germline.
Comment: This variant is classified as likely benign based on ACMG/AMP sequence variant interpretation guidelines (Richards et al. 2015 PMID: 25741868, with internal and published modifications).

NM_198721.4(COL25A1):c.7C>G (p.Leu3Val)

Gene: COL25A1 (collagen type XXV alpha 1 chain; minus strand). Cytogenetic location: 4q25.
Variant type: single nucleotide variant.
Coding change: c.7C>G on transcript NM_198721.4 (MANE Select); coding-DNA position 7, C replaced by G.
Protein change: p.Leu3Val; replaces leucine 3 with valine.
Molecular consequence: missense variant. On other transcripts: non-coding transcript variant (1).
Genome position (GRCh38, 1-based): chr4:109,302,013, G>C on the plus strand (C>G on the coding strand, the complement: COL25A1 is on the minus strand). VCF-style: chr4-109302013-G-C. GRCh37 (hg19) VCF-style: chr4-110223169-G-C.
Other names: c.7C>G, p.Leu3Val (NM_001256074.3, NM_032518.4); short protein forms L3V.
Identifiers: ClinVar variation 3050184 (VCV003050184.2), dbSNP rs577543045, ClinGen allele CA3040017.